The following is an entry in ClinVar:

NM_001112741.2(KCNC1):c.1331C>T (p.Ser444Phe)

Gene: KCNC1 (potassium voltage-gated channel subfamily C member 1; plus strand). Cytogenetic location: 11p15.1.
Variant type: single nucleotide variant.
Coding change: c.1331C>T on transcript NM_001112741.2 (MANE Select); coding-DNA position 1331, C replaced by T.
Protein change: p.Ser444Phe; replaces serine 444 with phenylalanine.
Molecular consequence: missense variant.
Genome position (GRCh38, 1-based): chr11:17,772,425, C>T. VCF-style: chr11-17772425-C-T. GRCh37 (hg19) VCF-style: chr11-17793972-C-T.
Other names: c.1331C>T, p.Ser444Phe (NM_004976.4); short protein forms S444F.
Identifiers: ClinVar variation 2759521 (VCV002759521.3), dbSNP rs2497801305, ClinGen allele CA379809576.

ClinVar aggregate classification (germline): Uncertain significance (1 of 4 stars; one submission).

Conditions:
Progressive myoclonic epilepsy type 7. Identifiers: Orphanet 435438, MedGen C4015420, MONDO:0014521, OMIM 616187.

Submission:

Labcorp Genetics (formerly Invitae), Labcorp
Classification: Uncertain significance for Progressive myoclonic epilepsy type 7. Last evaluated: 2023-09-10. Review status: criteria provided, single submitter. Criteria: Invitae Variant Classification Sherloc (09022015). Collection method: clinical testing. Allele origin: germline.
Comment: In summary, the available evidence is currently insufficient to determine the role of this variant in disease. Therefore, it has been classified as a Variant of Uncertain Significance. Advanced modeling of protein sequence and biophysical properties (such as structural, functional, and spatial information, amino acid conservation, physicochemical variation, residue mobility, and thermodynamic stability) performed at Invitae indicates that this missense variant is expected to disrupt KCNC1 protein function. This variant has not been reported in the literature in individuals affected with KCNC1-related conditions. This variant is not present in population databases (gnomAD no frequency). This sequence change replaces serine, which is neutral and polar, with phenylalanine, which is neutral and non-polar, at codon 444 of the KCNC1 protein (p.Ser444Phe).